The following is an entry in ClinVar:

ClinVar aggregate classification (germline): Uncertain significance. Review status: criteria provided, multiple submitters, no conflicts (2 of 4 stars). 4 submissions from 4 submitters: Uncertain significance (3). 1 of the submissions does not count toward it. Last evaluated 2025-08-06.

Conditions:
Inborn genetic diseases. Identifiers: MedGen C0950123, MeSH D030342.
TRIM32-related disorder. Also called: TRIM32-related condition.
Bardet-Biedl syndrome (BBS). Identifiers: Orphanet 110, MedGen C0752166, MONDO:0015229.

Allele frequency attached by ClinVar (database versions not stated): ExAC 0.00002; gnomAD 0.00003; gnomAD exomes 0.00003.
gnomAD v4.1: 47 of 1,614,050 alleles (0.0029%); highest among the groups gnomAD compares: African/African-American, 0.0053%; no homozygotes.

Submissions (4):

Ambry Genetics
Classification: Uncertain significance for Inborn genetic diseases. Last evaluated: 2025-08-06. Review status: criteria provided, single submitter. Criteria: Ambry Variant Classification Scheme 2023. Collection method: clinical testing. Allele origin: germline.

Labcorp Genetics (formerly Invitae), Labcorp
Classification: Uncertain significance for Bardet-Biedl syndrome. Last evaluated: 2022-08-08. Review status: criteria provided, single submitter. Criteria: Invitae Variant Classification Sherloc (09022015). Collection method: clinical testing. Allele origin: germline.
Comment: This sequence change replaces arginine, which is basic and polar, with glutamine, which is neutral and polar, at codon 344 of the TRIM32 protein (p.Arg344Gln). This variant is present in population databases (rs778138359, gnomAD 0.008%). This variant has not been reported in the literature in individuals affected with TRIM32-related conditions. Algorithms developed to predict the effect of missense changes on protein structure and function (SIFT, PolyPhen-2, Align-GVGD) all suggest that this variant is likely to be tolerated. In summary, the available evidence is currently insufficient to determine the role of this variant in disease. Therefore, it has been classified as a Variant of Uncertain Significance.

Revvity Omics, Revvity
Classification: Uncertain significance. Last evaluated: 2019-09-17. Review status: criteria provided, single submitter. Criteria: ACMG Guidelines, 2015. Collection method: clinical testing. Allele origin: germline.

PreventionGenetics, part of Exact Sciences
Classification: Uncertain significance for TRIM32-related condition. Last evaluated: 2024-07-09. Review status: no assertion criteria provided. Collection method: clinical testing. Allele origin: germline. Not counted in ClinVar's aggregate classification.
Comment: The TRIM32 c.1031G>A variant is predicted to result in the amino acid substitution p.Arg344Gln. To our knowledge, this variant has not been reported in the literature. This variant is reported in 0.0080% of alleles in individuals of African descent in gnomAD. At this time, the clinical significance of this variant is uncertain due to the absence of conclusive functional and genetic evidence.

NM_012210.4(TRIM32):c.1031G>A (p.Arg344Gln)

Genes: ASTN2 (astrotactin 2; minus strand), TRIM32 (tripartite motif containing 32; plus strand). Cytogenetic location: 9q33.1.
Variant type: single nucleotide variant.
Coding change: c.1031G>A on transcript NM_012210.4 (MANE Select); coding-DNA position 1031, G replaced by A.
Protein change: p.Arg344Gln; replaces arginine 344 with glutamine.
Molecular consequence: missense variant. On other transcripts: intron variant (3).
Genome position (GRCh38, 1-based): chr9:116,698,773, G>A. VCF-style: chr9-116698773-G-A. GRCh37 (hg19) VCF-style: chr9-119461052-G-A.
Other names: c.1031G>A, p.Arg344Gln (NM_001099679.2, NM_001379048.1, NM_001379049.1 and 1 more transcripts); c.2653+26998C>T (NM_014010.5); c.2794+26998C>T (NM_001365069.1); c.2806+26998C>T (NM_001365068.1); short protein forms R344Q.
Identifiers: ClinVar variation 2170196 (VCV002170196.7), dbSNP rs778138359, ClinGen allele CA5211096.